The following is an entry in ClinVar:

NM_000274.4(OAT):c.1294A>T (p.Ile432Phe)

Gene: OAT (ornithine aminotransferase; minus strand). Cytogenetic location: 10q26.13.
Variant type: single nucleotide variant.
Coding change: c.1294A>T on transcript NM_000274.4 (MANE Select); coding-DNA position 1294, A replaced by T.
Protein change: p.Ile432Phe; replaces isoleucine 432 with phenylalanine.
Molecular consequence: missense variant.
Genome position (GRCh38, 1-based): chr10:124,397,968, T>A on the plus strand (A>T on the coding strand, the complement: OAT is on the minus strand). VCF-style: chr10-124397968-T-A. GRCh37 (hg19) VCF-style: chr10-126086537-T-A.
Other names: c.880A>T, p.Ile294Phe (NM_001171814.2); c.1294A>T, p.Ile432Phe (NM_001322965.2, NM_001322966.2, NM_001322967.2 and 3 more transcripts); c.973A>T, p.Ile325Phe (NM_001322971.2); c.694A>T, p.Ile232Phe (NM_001322974.2); short protein forms I232F, I294F, I432F, I325F.
Identifiers: ClinVar variation 2109249 (VCV002109249.4), dbSNP rs2494426916, ClinGen allele CA378633007.
Genomic context (GRCh38, chr10:124,397,968, plus strand): 5'-GCTCCCAGGGACCACTGAAAACAGCTGGCTACCCTCAGAAAGACAAGATGGTCTTGTTAA[T>A]AATTTCAATGGACTCTCGAAGCTCATCCTCCTTGATCACCAGCGGAGGCGCAAACCTGAT-3'
Protein context (NP_000265.1, residues 422-439): EDELRESIEI[Ile432Phe]NKTILSF

ClinVar aggregate classification (germline): Uncertain significance (1 of 4 stars; one submission).

Conditions:
Ornithine aminotransferase deficiency (GACR). Also called: Ornithine ketoacid aminotransferase deficiency; Gyrate atrophy; Gyrate atrophy of choroid and retina; Girate atrophy of the retina; OAT DEFICIENCY; HYPERORNITHINEMIA WITH GYRATE ATROPHY OF CHOROID AND RETINA. Identifiers: Orphanet 414, MedGen C0018425, MONDO:0009796, OMIM 258870.

Submission:

Labcorp Genetics (formerly Invitae), Labcorp
Classification: Uncertain significance for Ornithine aminotransferase deficiency. Last evaluated: 2022-03-11. Review status: criteria provided, single submitter. Criteria: Invitae Variant Classification Sherloc (09022015). Collection method: clinical testing. Allele origin: germline.
Comment: In summary, the available evidence is currently insufficient to determine the role of this variant in disease. Therefore, it has been classified as a Variant of Uncertain Significance. Algorithms developed to predict the effect of missense changes on protein structure and function are either unavailable or do not agree on the potential impact of this missense change (SIFT: "Deleterious"; PolyPhen-2: "Possibly Damaging"; Align-GVGD: "Class C0"). This variant has not been reported in the literature in individuals affected with OAT-related conditions. This variant is not present in population databases (gnomAD no frequency). This sequence change replaces isoleucine, which is neutral and non-polar, with phenylalanine, which is neutral and non-polar, at codon 432 of the OAT protein (p.Ile432Phe).